The following is an entry in ClinVar:

ClinVar aggregate classification (germline): Pathogenic (1 of 4 stars; one submission).

Submission:

Labcorp Genetics (formerly Invitae), Labcorp
Classification: Pathogenic. Last evaluated: 2022-07-06. Review status: criteria provided, single submitter. Criteria: Invitae Variant Classification Sherloc (09022015). Collection method: clinical testing. Allele origin: germline.
Comment: For these reasons, this variant has been classified as Pathogenic. ClinVar contains an entry for this variant (Variation ID: 1452286). This variant has not been reported in the literature in individuals affected with SZT2-related conditions. This variant is not present in population databases (gnomAD no frequency). This sequence change creates a premature translational stop signal (p.Ser601Glnfs*37) in the SZT2 gene. It is expected to result in an absent or disrupted protein product. Loss-of-function variants in SZT2 are known to be pathogenic (PMID: 23932106, 27248490, 28556953).

Literature cited by the submitters: PubMed 23932106; PubMed 27248490; PubMed 28556953.

NM_001365999.1(SZT2):c.1796dup (p.Ser601fs)

Gene: SZT2 (SZT2 subunit of KICSTOR complex; plus strand). Cytogenetic location: 1p34.2.
Variant type: Duplication.
Coding change: c.1796dup on transcript NM_001365999.1 (MANE Select); coding-DNA position 1796, one base duplicated (C; older notation c.1796dupC).
Protein change: p.Ser601fs; shifts the reading frame from serine 601.
Molecular consequence: frameshift variant.
Genome position (GRCh38, 1-based): chr1:43,422,506, C duplicated; the last of 4 consecutive C bases (chr1:43,422,503-43,422,506); duplicating any one gives the same sequence. VCF-style (leftmost placement, unchanged base first): chr1-43422502-A-AC. GRCh37 (hg19) VCF-style: chr1-43888173-A-AC.
Other names: c.1796dup, p.Ser601fs (NM_015284.4); short protein forms S601fs.
Identifiers: ClinVar variation 1452286 (VCV001452286.6), dbSNP rs2153932502, ClinGen allele CA2543325988.